The following is an entry in ClinVar:

ClinVar aggregate classification (germline): Uncertain significance (1 of 4 stars; one submission).

Conditions:
RASopathy. Also called: Noonan spectrum disorder; rasopathies. Identifiers: Orphanet 536391, MedGen C5555857, MONDO:0021060.

gnomAD v4.1: 1 of 1,610,754 alleles (0.000062%); highest among the groups gnomAD compares: Admixed American, 0.0017%; no homozygotes.

Submission:

Labcorp Genetics (formerly Invitae), Labcorp
Classification: Uncertain significance for RASopathy. Last evaluated: 2024-03-10. Review status: criteria provided, single submitter. Criteria: Invitae Variant Classification Sherloc (09022015). Collection method: clinical testing. Allele origin: germline.
Comment: This sequence change replaces leucine, which is neutral and non-polar, with arginine, which is basic and polar, at codon 177 of the PTPN11 protein (p.Leu177Arg). This variant is not present in population databases (gnomAD no frequency). This variant has not been reported in the literature in individuals affected with PTPN11-related conditions. Advanced modeling of protein sequence and biophysical properties (such as structural, functional, and spatial information, amino acid conservation, physicochemical variation, residue mobility, and thermodynamic stability) has been performed at Invitae for this missense variant, however the output from this modeling did not meet the statistical confidence thresholds required to predict the impact of this variant on PTPN11 protein function. In summary, the available evidence is currently insufficient to determine the role of this variant in disease. Therefore, it has been classified as a Variant of Uncertain Significance.

NM_002834.5(PTPN11):c.530T>G (p.Leu177Arg)

Gene: PTPN11 (protein tyrosine phosphatase non-receptor type 11; plus strand). Cytogenetic location: 12q24.13.
Variant type: single nucleotide variant.
Coding change: c.530T>G on transcript NM_002834.5 (MANE Select); coding-DNA position 530, T replaced by G.
Protein change: p.Leu177Arg; replaces leucine 177 with arginine.
Molecular consequence: missense variant.
Genome position (GRCh38, 1-based): chr12:112,454,568, T>G. VCF-style: chr12-112454568-T-G. GRCh37 (hg19) VCF-style: chr12-112892372-T-G.
Other names: c.530T>G, p.Leu177Arg (NM_001330437.2, NM_080601.3); c.527T>G, p.Leu176Arg (NM_001374625.1); short protein forms L176R, L177R.
Identifiers: ClinVar variation 3637661 (VCV003637661.2).
Genomic context (GRCh38, chr12:112,454,568, plus strand): 5'-ACACTAATGTAACATAAAGGTAACAAATAATAAATGTCATGTGTTTATCTTGAAAGGAAC[T>G]GAAATACGACGTTGGTGGAGGAGAACGGTTTGATTCTTTGACAGATCTTGTGGAACATTA-3'
Protein context (NP_002825.3, residues 167-187): VTHVMIRCQE[Leu177Arg]KYDVGGGERF